The following is an entry in ClinVar:

NM_000212.3(ITGB3):c.773G>C (p.Cys258Ser)

Genes: ITGB3 (integrin subunit beta 3; plus strand), LOC130061044 (ATAC-STARR-seq lymphoblastoid active region 12308; plus strand). Cytogenetic location: 17q21.32.
Variant type: single nucleotide variant.
Coding change: c.773G>C on transcript NM_000212.3 (MANE Select); coding-DNA position 773, G replaced by C.
Protein change: p.Cys258Ser; replaces cysteine 258 with serine.
Molecular consequence: missense variant.
Genome position (GRCh38, 1-based): chr17:47,286,418, G>C. VCF-style: chr17-47286418-G-C. GRCh37 (hg19) VCF-style: chr17-45363784-G-C.
Other names: short protein forms C258S.
Identifiers: ClinVar variation 1810020 (VCV001810020.1), dbSNP rs2547616847, ClinGen allele CA400023702.
Genomic context (GRCh38, chr17:47,286,418, plus strand): 5'-TGTCACGGAACCGAGATGCCCCAGAGGGTGGCTTTGATGCCATCATGCAGGCTACAGTCT[G>C]TGATGTGAGTTTGGAGGACTTGGAGTGCCAGGTGTGGCTGGCATAGATCAAAATGGGAAA-3'
Protein context (NP_000203.2, residues 248-268): GFDAIMQATV[Cys258Ser]DEKIGWRNDA

ClinVar aggregate classification (germline): Uncertain significance (1 of 4 stars; one submission).

Submission:

GeneDx
Classification: Uncertain significance. Last evaluated: 2022-07-01. Review status: criteria provided, single submitter. Criteria: GeneDx Variant Classification Process June 2021. Collection method: clinical testing. Allele origin: germline. Affected: yes.
Comment: Has not been previously published as pathogenic or benign to our knowledge; Not observed at significant frequency in large population cohorts (gnomAD); In silico analysis supports that this missense variant has a deleterious effect on protein structure/function